The following is an entry in ClinVar:

ClinVar aggregate classification (germline): not provided (0 of 4 stars; one submission).

Allele frequency attached by ClinVar (database versions not stated): gnomAD 0.00005 and 0.00059; ESP Exome Variant Server 0.00008; TOPMed 0.00010; gnomAD exomes 0.00099 and 0.00201; ExAC 0.00230; 1000 Genomes Project 30x 0.00422; 1000 Genomes Project 0.00479.
gnomAD v4.1: 1,536 of 1,614,184 alleles (0.095%); highest among the groups gnomAD compares: South Asian, 1.6%; 21 homozygotes.

Submission:

ITMI
No classification provided. Condition: AllHighlyPenetrant. Last evaluated: 2013-09-19. Review status: no classification provided. Collection method: reference population. Allele origin: germline.
Comment: Please see associated publication for description of ethnicities

Literature cited by the submitters: PubMed 24728327.

NM_005228.5(EGFR):c.1881-831C>A

Gene: EGFR (epidermal growth factor receptor; plus strand). Cytogenetic location: 7p11.2.
Variant type: single nucleotide variant.
Coding change: c.1881-831C>A on transcript NM_005228.5 (MANE Select); 831 bases into the intron before coding-DNA position 1881, C replaced by A.
Molecular consequence: intron variant. On other transcripts: missense variant (1).
Genome position (GRCh38, 1-based): chr7:55,170,344, C>A. VCF-style: chr7-55170344-C-A. GRCh37 (hg19) VCF-style: chr7-55238037-C-A.
Other names: c.1918C>A, p.Leu640Ile (NM_201284.2); c.1746-831C>A (NM_001346899.2, NM_001346897.2); c.1080-831C>A (NM_001346941.2); c.1881-831C>A (NM_001346898.2); c.1722-831C>A (NM_001346900.2); short protein forms L640I.
Identifiers: ClinVar variation 134033 (VCV000134033.1), dbSNP rs140443314, ClinGen allele CA158477.
Genomic context (GRCh38, chr7:55,170,344, plus strand): 5'-TGTACTTGTCCATCTTTCTCCAGGCCAGGAAATGAGAGTCTCAAAGCCATGTTATTCTGC[C>A]TTTTTAAACTATCATCCTGTAATCAAAGTAATGATGGCAGCGTGTCCCACCAGAGCGGGA-3'